The following is an entry in ClinVar:

ClinVar aggregate classification (germline): Conflicting classifications of pathogenicity. Review status: criteria provided, conflicting classifications (1 of 4 stars). 16 submissions from 16 submitters: Uncertain significance (1); Benign (1); Likely benign (11). 3 of the submissions do not count toward it. Last evaluated 2026-01-25.

Conditions:
BRCA1-related disorder. Also called: BRCA1-related condition.
Hereditary cancer-predisposing syndrome. Also called: Hereditary Cancer Syndrome; Hereditary neoplastic syndrome; Neoplastic Syndromes, Hereditary; Tumor predisposition. Identifiers: Orphanet 140162, MedGen C0027672, MeSH D009386, MONDO:0015356.
Hereditary breast ovarian cancer syndrome. Also called: BRCA1- and BRCA2-Associated Hereditary Breast and Ovarian Cancer; Hereditary breast and ovarian cancer syndrome; Hereditary breast and ovarian cancer syndrome (HBOC); Breast and ovarian cancer; Hereditary breast and/or ovarian cancer syndrome; Hereditary breast and ovarian cancer. Identifiers: Orphanet 145, MedGen C0677776, MeSH D061325, MONDO:0003582. Disease mechanism: loss of function.
Breast-ovarian cancer, familial, susceptibility to, 1 (BROVCA1). Also called: BRCA1 Hereditary Breast and Ovarian Cancer; OVARIAN CANCER, SUSCEPTIBILITY TO. Identifiers: Orphanet 145, MedGen C2676676, MONDO:0011450, OMIM 604370. Disease mechanism: loss of function.

Allele frequency attached by ClinVar (database versions not stated): gnomAD exomes 0.00001; gnomAD 0.00003 and 0.00004; ExAC 0.00002; TOPMed 0.00009.
gnomAD v4.1: 26 of 1,614,024 alleles (0.0016%); highest among the groups gnomAD compares: Admixed American, 0.015%; no homozygotes.

Submissions (17):

Labcorp Genetics (formerly Invitae), Labcorp
Classification: Likely benign for Hereditary breast ovarian cancer syndrome. Last evaluated: 2026-01-25. Review status: criteria provided, single submitter. Criteria: Invitae Variant Classification Sherloc (09022015). Collection method: clinical testing. Allele origin: germline.

PreventionGenetics, part of Exact Sciences
Classification: Likely benign for BRCA1-related condition. Last evaluated: 2025-08-17. Review status: criteria provided, single submitter. Criteria: ACMG Guidelines, 2015. Collection method: clinical testing. Allele origin: germline.
Comment: This variant is classified as likely benign based on ACMG/AMP sequence variant interpretation guidelines (Richards et al. 2015 PMID: 25741868, with internal and published modifications).

Women's Health and Genetics/Laboratory Corporation of America, LabCorp
Classification: Likely benign. Last evaluated: 2025-04-25. Review status: criteria provided, single submitter. Criteria: LabCorp Variant Classification Summary - May 2015. Collection method: clinical testing. Allele origin: germline.
Comment: Variant summary: BRCA1 c.4261C>T (p.His1421Tyr) results in a conservative amino acid change in the encoded protein sequence. Five of five in-silico tools predict a benign effect of the variant on protein function. The variant allele was found at a frequency of 1.2e-05 in 252434 control chromosomes. The available data on variant occurrences in the general population are insufficient to allow any conclusion about variant significance. c.4261C>T has been reported in the literature in individuals affected with Hereditary Breast and Ovarian Cancer or at high risk, without strong evidence for causality (examples, Shattuck-Eidens_1997, Dutil_2012, Vogel_2007, Judkins_2005, Diaz-Zabala_2018, Grant_2015, Ren_2021), it has also been reported in a control cohort (example, Dorling_2021). However, these reports do not provide unequivocal conclusions about association of the variant with Hereditary Breast and Ovarian Cancer. Co-occurrence with another pathogenic variant has been reported (Dutil_2012, pathogenic variant not provided) for this variant, supporting evidence for a benign role. Several functional experiments suggest that this variant has transcriptional and HDR activity similar to that of wild-type (Carvalho_2010, Hu_2002, Lu_2015, Woods_2016). The following publications have been ascertained in the context of this evaluation (PMID: 18992264, 30400234, 22682623, 30765603, 25479140, 12080089, 21447777, 16267036, 18259752, 26689913, 15385441, 15689452, 34196900, 9333265, 23704879, 17925560, 28781887). ClinVar contains an entry for this variant (Variation ID: 55156). Based on the evidence outlined above, the variant was classified as likely benign.

Molecular Diagnostics Laboratory, Catalan Institute of Oncology
Classification: Likely benign for Hereditary cancer-predisposing syndrome. Last evaluated: 2025-03-19. Review status: criteria provided, single submitter. Criteria: ClinGen BRCA1BRCA2 ACMG Specifications BRCA1 V1.0.0. Collection method: clinical testing. Allele origin: germline.
Comment: BS3, BP4 c.4261C>T, located in exon 12 (exon 11 according to BIC nomenclature) of the BRCA1 gene, is predicted to result in the substitution of histidine by tyrosine at codon 1421,  p.(His1421Tyr). This variant is found in 3/236896 alleles at a frequency of 0.001% in the gnomAD v2.1.1 database, non-cancer dataset. The SpliceAI algorithm predicts no significant impact on splicing and the BayesDel noAF score (-0.15) suggests that it does not affect the protein function (BP4). One calibrated study reported that it affects protein function similar to benign control variants (PMID:30765603) (BS3). This variant has been reported in the ClinVar database (3x uncertain significance, 1x benign, 7x likely benign), in the LOVD database (3x unclassified) and in BRCA Exchange database (unclassified). Based on currently available information, the variant c.4261C>T should be considered a likely benign variant according to ClinGen ENIGMA BRCA1 and BRCA2 Expert Panel Specifications to the ACMG/AMP Variant Interpretation Guidelines for BRCA1 Version 1.0.0.

ARUP Laboratories, Molecular Genetics and Genomics, ARUP Laboratories
Classification: Likely benign. Last evaluated: 2025-01-30. Review status: criteria provided, single submitter. Criteria: ARUP Molecular Germline Variant Investigation Process 2024. Collection method: clinical testing. Allele origin: germline.

Hereditary Cancer Laboratory, Hospital Universitario 12 de Octubre
Classification: Likely benign for Hereditary cancer-predisposing syndrome. Last evaluated: 2024-06-04. Review status: criteria provided, single submitter. Criteria: ACMG Guidelines, 2015. Collection method: clinical testing. Allele origin: germline.
Comment: BS3 + PM2 + BP4

Mendelics
Classification: Benign for Breast-ovarian cancer, familial, susceptibility to, 1. Last evaluated: 2023-08-22. Review status: criteria provided, single submitter. Criteria: Mendelics Assertion Criteria 2019. Collection method: clinical testing. Allele origin: germline.

Quest Diagnostics Nichols Institute San Juan Capistrano
Classification: Likely benign. Last evaluated: 2022-11-23. Review status: criteria provided, single submitter. Criteria: Quest Diagnostics criteria. Collection method: clinical testing. Allele origin: unknown.

Color Diagnostics, LLC DBA Color Health
Classification: Likely benign for Hereditary cancer-predisposing syndrome. Last evaluated: 2022-10-24. Review status: criteria provided, single submitter. Criteria: ACMG Guidelines, 2015. Collection method: clinical testing. Allele origin: germline.

Sema4
Classification: Likely benign for Hereditary cancer-predisposing syndrome. Last evaluated: 2022-02-14. Review status: criteria provided, single submitter. Criteria: Sema4 Curation Guidelines. Collection method: curation. Allele origin: germline.

GeneDx
Classification: Likely benign. Last evaluated: 2021-06-24. Review status: criteria provided, single submitter. Criteria: GeneDx Variant Classification Process June 2021. Collection method: clinical testing. Allele origin: germline. Affected: yes.
Comment: This variant is associated with the following publications: (PMID: 26689913, 16267036, 21447777, 22682623, 17925560, 12080089, 9333265, 24845084, 18259752, 15689452, 28781887, 30400234, 30765603, 31131967, 15343273, 22737296, 19369211)

Ambry Genetics
Classification: Likely benign for Hereditary cancer-predisposing syndrome. Last evaluated: 2019-12-16. Review status: criteria provided, single submitter. Criteria: Ambry Variant Classification Scheme 2023. Collection method: clinical testing. Allele origin: germline.

Eurofins Ntd Llc (ga)
Classification: Uncertain significance. Last evaluated: 2015-03-30. Review status: criteria provided, single submitter. Criteria: EGL Classification Definitions 2015. Collection method: clinical testing. Allele origin: germline. Observed: 1 variant allele, 1 heterozygote.

Counsyl
Classification: Uncertain significance for Breast-ovarian cancer, familial, susceptibility to, 1. Last evaluated: 2016-09-09. Review status: no assertion criteria provided. Collection method: clinical testing. Allele origin: unknown. Not counted in ClinVar's aggregate classification.

Sharing Clinical Reports Project (SCRP)
Classification: Likely benign for Breast-ovarian cancer, familial 1. Last evaluated: 2010-02-03. Review status: no assertion criteria provided. Collection method: clinical testing. Allele origin: germline. Not counted in ClinVar's aggregate classification.

Breast Cancer Information Core (BIC) (BRCA1)
Classification: Uncertain significance for Breast-ovarian cancer, familial 1. Last evaluated: 1997-02-15. Review status: no assertion criteria provided. Collection method: clinical testing. Allele origin: germline. Affected: yes. Observed: 4 variant alleles. Not counted in ClinVar's aggregate classification.

Dr. Peter K. Rogan Lab, Western University
No classification provided (evidence only). Condition: Clear cell carcinoma of kidney. Review status: no classification provided. Collection method: in vitro. Allele origin: not applicable. Functional consequence: retained intron. Not counted in ClinVar's aggregate classification.

Literature cited by the submitters: PubMed 16267036 (cited by 4 submitters); PubMed 15385441 (cited by Women's Health and Genetics/Laboratory Corporation of America, LabCorp and Quest Diagnostics Nichols Institute San Juan Capistrano); PubMed 15689452 (cited by 6 submitters); PubMed 17925560 (cited by 5 submitters); PubMed 23704879 (cited by Women's Health and Genetics/Laboratory Corporation of America, LabCorp and Quest Diagnostics Nichols Institute San Juan Capistrano); PubMed 22682623 (cited by 4 submitters); PubMed 9333265 (cited by Women's Health and Genetics/Laboratory Corporation of America, LabCorp and Quest Diagnostics Nichols Institute San Juan Capistrano); PubMed 18992264 (cited by Women's Health and Genetics/Laboratory Corporation of America, LabCorp and Quest Diagnostics Nichols Institute San Juan Capistrano); PubMed 12080089 (cited by 4 submitters); PubMed 18259752 (cited by Women's Health and Genetics/Laboratory Corporation of America, LabCorp and Quest Diagnostics Nichols Institute San Juan Capistrano); PubMed 25479140 (cited by 3 submitters); PubMed 26689913 (cited by 5 submitters); PubMed 28781887 (cited by 4 submitters); PubMed 30400234 (cited by 3 submitters); PubMed 30765603 (cited by Women's Health and Genetics/Laboratory Corporation of America, LabCorp and Quest Diagnostics Nichols Institute San Juan Capistrano); PubMed 21447777 (cited by 3 submitters); PubMed 33471991 (cited by 3 submitters); PubMed 34196900 (cited by Women's Health and Genetics/Laboratory Corporation of America, LabCorp); PubMed 23842040 (cited by Quest Diagnostics Nichols Institute San Juan Capistrano); PubMed 35196514 (cited by Quest Diagnostics Nichols Institute San Juan Capistrano); PubMed 26295337 (cited by Quest Diagnostics Nichols Institute San Juan Capistrano).

NM_007294.4(BRCA1):c.4261C>T (p.His1421Tyr)

Gene: BRCA1 (BRCA1 DNA repair associated; minus strand). Cytogenetic location: 17q21.31.
Variant type: single nucleotide variant.
Coding change: c.4261C>T on transcript NM_007294.4 (MANE Select); coding-DNA position 4261, C replaced by T.
Protein change: p.His1421Tyr; replaces histidine 1421 with tyrosine.
Molecular consequence: missense variant. On other transcripts: non-coding transcript variant (1).
Genome position (GRCh38, 1-based): chr17:43,082,500, G>A on the plus strand (C>T on the coding strand, the complement: BRCA1 is on the minus strand). VCF-style: chr17-43082500-G-A. GRCh37 (hg19) VCF-style: chr17-41234517-G-A.
Other names: 4380C>T; c.4258C>T, p.His1420Tyr (NM_001407615.1, NM_001407624.1, NM_001407634.1 and 21 more transcripts); c.4261C>T, p.His1421Tyr (NM_001407616.1, NM_001407617.1, NM_001407618.1 and 23 more transcripts); c.4255C>T, p.His1419Tyr (NM_001407644.1, NM_001407627.1, NM_001407628.1 and 5 more transcripts); c.4180C>T, p.His1394Tyr (NM_001407656.1, NM_001407661.1, NM_001407662.1 and 1 more transcripts); c.4183C>T, p.His1395Tyr (NM_001407657.1, NM_001407658.1, NM_001407653.1 and 2 more transcripts); c.4177C>T, p.His1393Tyr (NM_001407659.1, NM_001407660.1); c.4138C>T, p.His1380Tyr (NM_001407664.1, NM_001407665.1, NM_001407677.1 and 13 more transcripts); and 52 more; short protein forms H1421Y, H1374Y, H318Y, H1125Y, H1294Y, H1310Y, H1350Y, H1353Y.
Identifiers: ClinVar variation 55156 (VCV000055156.42), dbSNP rs80357013, ClinGen allele CA002739.
Genomic context (GRCh38, chr17:43,082,500, plus strand): 5'-CCTCAAGGGCAGAAGAGTCACTTATGATGGAAGGGTAGCTGTTAGAAGGCTGGCTCCCAT[G>A]CTGTTCTAACACAGCTTCTAGTTCAGCCATTTCCTGCTGGAGCTTTATCAGGTTATGTTG-3'
Protein context (NP_009225.1, residues 1411-1431): MAELEAVLEQ[His1421Tyr]GSQPSNSYPS